The following is an entry in ClinVar:

ClinVar aggregate classification (germline): Pathogenic/Likely pathogenic. Review status: criteria provided, multiple submitters, no conflicts (2 of 4 stars). 3 submissions from 3 submitters: Pathogenic (2); Likely pathogenic (1). Last evaluated 2025-10-20.

Conditions:
Familial X-linked hypophosphatemic vitamin D refractory rickets (XLHRD). Also called: Hypophosphatemia, vitamin D-resistant rickets; Vitamin D-resistant rickets, X-linked; X-Linked Hypophosphatemia; Hypophosphatemic Rickets, X-Linked Dominant; HYPOPHOSPHATEMIC VITAMIN D-RESISTANT RICKETS. Identifiers: Orphanet 89936, MedGen C0733682, MONDO:0010619, OMIM 307800.

Submissions (3):

Women's Health and Genetics/Laboratory Corporation of America, LabCorp
Classification: Pathogenic for Familial X-linked hypophosphatemic vitamin D refractory rickets. Last evaluated: 2025-10-20. Review status: criteria provided, single submitter. Criteria: LabCorp Variant Classification Summary - May 2015. Collection method: clinical testing. Allele origin: germline.
Comment: Variant summary: PHEX c.2138dupC (p.Gln714SerfsX3) results in a premature termination codon, predicted to cause a truncation of the encoded protein. The variant was absent in 183480 control chromosomes. c.2138dupC has been observed in individuals affected with X-Linked Hypophosphatemic Rickets (e.g., Zheng_2020, Gaucher_2009). These data indicate that the variant may be associated with disease. Downstream variants (c.2239C>T, p.Arg747*; c.2187delA; p.Ala730Leufs*10) have been determined to be pathogenic by our laboratory, suggesting that loss of this region of the protein is deleterious. The following publications have been ascertained in the context of this evaluation (PMID: 19219621, 32329911). ClinVar contains an entry for this variant (Variation ID: 280088). Based on the evidence outlined above, the variant was classified as pathogenic.

Labcorp Genetics (formerly Invitae), Labcorp
Classification: Pathogenic. Last evaluated: 2023-04-17. Review status: criteria provided, single submitter. Criteria: Invitae Variant Classification Sherloc (09022015). Collection method: clinical testing. Allele origin: germline.
Comment: This sequence change creates a premature translational stop signal (p.Gln714Serfs*3) in the PHEX gene. While this is not anticipated to result in nonsense mediated decay, it is expected to disrupt the last 36 amino acid(s) of the PHEX protein. This variant is not present in population databases (gnomAD no frequency). This premature translational stop signal has been observed in individual(s) with hypophosphatemia (PMID: 19219621, 32329911). This variant is also known as c.2138_2139insC; p.Pro713ProfsX4 . ClinVar contains an entry for this variant (Variation ID: 280088). This variant disrupts a region of the PHEX protein in which other variant(s) (p.Arg747*) have been determined to be pathogenic (PMID: 9199930, 9768674). This suggests that this is a clinically significant region of the protein, and that variants that disrupt it are likely to be disease-causing. For these reasons, this variant has been classified as Pathogenic.

GeneDx
Classification: Likely pathogenic. Last evaluated: 2017-03-14. Review status: criteria provided, single submitter. Criteria: GeneDx Variant Classification (06012015). Collection method: clinical testing. Allele origin: germline. Affected: yes.
Comment: The c.2138dupC variant in the PHEX gene has been reported previously in association with Hypophosphatemic Rickets (Gaucher et al., 2009). The c.2138dupC variant is not observed in large population cohorts (Lek et al., 2016; 1000 Genomes Consortium et al., 2015; Exome Variant Server). The duplication causes a frameshift starting with codon Glutamine 714, changes this amino acid to a Serine residue and creates a premature Stop codon at position 3 of the new reading frame, denoted p.Gln714SerfsX3. This alteration is predicted to cause loss of normal protein function through protein truncation. Specifically, it is predicted that the last 36 correct amino acids will be lost and replaced by 2 incorrect amino acids. Therefore, this variant is likely pathogenic.

Literature cited by the submitters: PubMed 19219621 (cited by Women's Health and Genetics/Laboratory Corporation of America, LabCorp and Labcorp Genetics (formerly Invitae), Labcorp); PubMed 32329911 (cited by Women's Health and Genetics/Laboratory Corporation of America, LabCorp and Labcorp Genetics (formerly Invitae), Labcorp); PubMed 9199930 (cited by Labcorp Genetics (formerly Invitae), Labcorp); PubMed 9768674 (cited by Labcorp Genetics (formerly Invitae), Labcorp).

NM_000444.6(PHEX):c.2138dup (p.Gln714fs)

Genes: PHEX (phosphate regulating endopeptidase X-linked; plus strand), PTCHD1-AS (PTCHD1 and PHEX antisense RNA; minus strand). Cytogenetic location: Xp22.11.
Variant type: Duplication.
Coding change: c.2138dup on transcript NM_000444.6 (MANE Select); coding-DNA position 2138, one base duplicated (C; older notation c.2138dupC).
Protein change: p.Gln714fs; shifts the reading frame from glutamine 714.
Molecular consequence: frameshift variant. On other transcripts: intron variant (1).
Genome position (GRCh38, 1-based): chrX:22,245,400, C duplicated; the last of 5 consecutive C bases (chrX:22,245,396-22,245,400); duplicating any one gives the same sequence. VCF-style (leftmost placement, unchanged base first): chrX-22245395-T-TC. GRCh37 (hg19) VCF-style: chrX-22263512-T-TC.
Other names: c.2071-2451dup (NM_001282754.2); c.2138dupC (NM_000444.6); short protein forms Q714fs.
Identifiers: ClinVar variation 280088 (VCV000280088.7), dbSNP rs886041375, ClinGen allele CA10603658.